The following is an entry in ClinVar:

NM_022436.3(ABCG5):c.997G>T (p.Ala333Ser)

Genes: ABCG5 (ATP binding cassette subfamily G member 5; minus strand), DYNC2LI1 (dynein cytoplasmic 2 light intermediate chain 1; plus strand). Cytogenetic location: 2p21.
Variant type: single nucleotide variant.
Coding change: c.997G>T on transcript NM_022436.3 (MANE Select); coding-DNA position 997, G replaced by T.
Protein change: p.Ala333Ser; replaces alanine 333 with serine.
Molecular consequence: missense variant. On other transcripts: intron variant (2).
Genome position (GRCh38, 1-based): chr2:43,824,340, C>A on the plus strand (G>T on the coding strand, the complement: ABCG5 is on the minus strand). VCF-style: chr2-43824340-C-A. GRCh37 (hg19) VCF-style: chr2-44051479-C-A.
Other names: c.*16-3046C>A (NM_001348913.2, NM_001348912.2); short protein forms A333S.
Identifiers: ClinVar variation 3992559 (VCV003992559.2).
Genomic context (GRCh38, chr2:43,824,340, plus strand): 5'-TTGGTAACGTTTTCAGGTGTTTCATTCTTTCAATATTCTTCAAAGTTTTATGACAAATTG[C>A]TGATTTCTTGTAGGCAGATTCTATCATCTGGACTCTCTTGGAGGTTTCTATTTCCCGTTC-3'
Protein context (NP_071881.1, residues 323-343): QMIESAYKKS[Ala333Ser]ICHKTLKNIE

ClinVar aggregate classification (germline): Uncertain significance. Review status: criteria provided, multiple submitters, no conflicts (2 of 4 stars). 2 submissions from 2 submitters: Uncertain significance (2). Last evaluated 2025-05-08.

Conditions:
Cardiovascular phenotype. Identifiers: MedGen CN230736.
Sitosterolemia 2. Identifiers: MedGen C5231453, MONDO:0020748, OMIM 618666.

Submissions (2):

Ambry Genetics
Classification: Uncertain significance for Cardiovascular phenotype. Last evaluated: 2025-05-08. Review status: criteria provided, single submitter. Criteria: Ambry Variant Classification Scheme 2023. Collection method: clinical testing. Allele origin: germline.
Comment: The p.A333S variant (also known as c.997G>T), located in coding exon 8 of the ABCG5 gene, results from a G to T substitution at nucleotide position 997. The alanine at codon 333 is replaced by serine, an amino acid with similar properties. This amino acid position is conserved. In addition, this alteration is predicted to be tolerated by in silico analysis. Based on the available evidence, the clinical significance of this variant remains unclear.

Revvity Omics, Revvity
Classification: Uncertain significance for Sitosterolemia 2. Last evaluated: 2023-11-27. Review status: criteria provided, single submitter. Criteria: ACMG Guidelines, 2015. Collection method: clinical testing. Allele origin: germline.